The following is an entry in ClinVar:

NM_001103.4(ACTN2):c.8A>G (p.Gln3Arg)

Gene: ACTN2 (actinin alpha 2; plus strand). Cytogenetic location: 1q43.
Variant type: single nucleotide variant.
Coding change: c.8A>G on transcript NM_001103.4 (MANE Select); coding-DNA position 8, A replaced by G.
Protein change: p.Gln3Arg; replaces glutamine 3 with arginine.
Molecular consequence: missense variant. On other transcripts: 5 prime UTR variant (1).
Genome position (GRCh38, 1-based): chr1:236,686,681, A>G. VCF-style: chr1-236686681-A-G. GRCh37 (hg19) VCF-style: chr1-236849981-A-G.
Other names: c.8A>G, p.Gln3Arg (NM_001278343.2); c.-814A>G (NM_001278344.2); short protein forms Q3R.
Identifiers: ClinVar variation 1005696 (VCV001005696.9), dbSNP rs1665879577, ClinGen allele CA345358053.

ClinVar aggregate classification (germline): Uncertain significance (1 of 4 stars; one submission).

Conditions:
Primary familial hypertrophic cardiomyopathy (HCM). Identifiers: Orphanet 99739, MedGen C0949658, MeSH D024741, MONDO:0024573. Inheritance: Various modes of inheritance.
Dilated cardiomyopathy 1AA (CMD1AA). Also called: CARDIOMYOPATHY, DILATED, 1AA, WITH OR WITHOUT LEFT VENTRICULAR NONCOMPACTION; CARDIOMYOPATHY, FAMILIAL HYPERTROPHIC, 23, WITH OR WITHOUT LEFT VENTRICULAR NONCOMPACTION; Cardiomyopathy, dilated, 1AA, with or without LVNC. Identifiers: Orphanet 154, MedGen C2677338, MONDO:0012808, OMIM 612158.

Submission:

Labcorp Genetics (formerly Invitae), Labcorp
Classification: Uncertain significance for Primary familial hypertrophic cardiomyopathy; Dilated cardiomyopathy 1AA. Last evaluated: 2020-03-05. Review status: criteria provided, single submitter. Criteria: Invitae Variant Classification Sherloc (09022015). Collection method: clinical testing. Allele origin: germline.
Comment: This variant is not present in population databases (ExAC no frequency). This sequence change replaces glutamine with arginine at codon 3 of the ACTN2 protein (p.Gln3Arg). The glutamine residue is moderately conserved and there is a small physicochemical difference between glutamine and arginine. This variant has not been reported in the literature in individuals with ACTN2-related conditions. Algorithms developed to predict the effect of missense changes on protein structure and function are either unavailable or do not agree on the potential impact of this missense change (SIFT: "Deleterious"; PolyPhen-2: "Benign"; Align-GVGD: "Class C0"). In summary, the available evidence is currently insufficient to determine the role of this variant in disease. Therefore, it has been classified as a Variant of Uncertain Significance.